The following is an entry in ClinVar:

NM_033004.4(NLRP1):c.952T>C (p.Phe318Leu)

Gene: NLRP1 (NLR family pyrin domain containing 1; minus strand). Cytogenetic location: 17p13.2.
Variant type: single nucleotide variant.
Coding change: c.952T>C on transcript NM_033004.4 (MANE Select); coding-DNA position 952, T replaced by C.
Protein change: p.Phe318Leu; replaces phenylalanine 318 with leucine.
Molecular consequence: missense variant.
Genome position (GRCh38, 1-based): chr17:5,559,744, A>G on the plus strand (T>C on the coding strand, the complement: NLRP1 is on the minus strand). VCF-style: chr17-5559744-A-G. GRCh37 (hg19) VCF-style: chr17-5463064-A-G.
Other names: c.952T>C, p.Phe318Leu (NM_001033053.3, NM_014922.5, NM_033006.4 and 1 more transcripts); short protein forms F318L.
Identifiers: ClinVar variation 4738137 (VCV004738137.1).
Genomic context (GRCh38, chr17:5,559,744, plus strand): 5'-TTCCAGCAGCCCCCTGCAGTATGACTATGCGAGGTTCTTGGGTATCCAGGCCTGGGCCAA[A>G]TAAGTCTCTGATCTCAATTAAATGTCCTCGATTCTCCTCCACATAATCAGGCCAGCTTCT-3'
Protein context (NP_127497.1, residues 308-328): RGHLIEIRDL[Phe318Leu]GPGLDTQEPR

ClinVar aggregate classification (germline): Uncertain significance (1 of 4 stars; one submission).

gnomAD v4.1: 1 of 1,614,266 alleles (0.000062%); highest among the groups gnomAD compares: South Asian, 0.0011%; no homozygotes.

Submission:

Labcorp Genetics (formerly Invitae), Labcorp
Classification: Uncertain significance. Last evaluated: 2025-07-25. Review status: criteria provided, single submitter. Criteria: Invitae Variant Classification Sherloc (09022015). Collection method: clinical testing. Allele origin: germline.
Comment: This sequence change replaces phenylalanine, which is neutral and non-polar, with leucine, which is neutral and non-polar, at codon 318 of the NLRP1 protein (p.Phe318Leu). This variant is present in population databases (rs374999246, gnomAD 0.003%). This variant has not been reported in the literature in individuals affected with NLRP1-related conditions. An algorithm developed to predict the effect of missense changes on protein structure and function (PolyPhen-2) suggests that this variant is likely to be disruptive. In summary, the available evidence is currently insufficient to determine the role of this variant in disease. Therefore, it has been classified as a Variant of Uncertain Significance.